The following is an entry in ClinVar:

NM_001130987.2(DYSF):c.4726del (p.Glu1576fs)

Gene: DYSF (dysferlin; plus strand). Cytogenetic location: 2p13.2.
Variant type: Deletion.
Coding change: c.4726del on transcript NM_001130987.2 (MANE Select); coding-DNA position 4726, one base deleted (G; older notation c.4726delG).
Protein change: p.Glu1576fs; shifts the reading frame from glutamic acid 1576.
Molecular consequence: frameshift variant.
Genome position (GRCh38, 1-based): chr2:71,656,261, G deleted. VCF-style (leftmost placement, unchanged base first): chr2-71656260-AG-A. GRCh37 (hg19) VCF-style: chr2-71883390-AG-A.
Other names: NM_003494.4:c.4609del; c.4570del, p.Glu1524fs (NM_001130986.2); c.4609del, p.Glu1537fs (NM_003494.4); c.4567del, p.Glu1523fs (NM_001130976.2); c.4630del, p.Glu1544fs (NM_001130977.2); c.4672del, p.Glu1558fs (NM_001130978.2); c.4702del, p.Glu1568fs (NM_001130979.2); c.4660del, p.Glu1554fs (NM_001130980.2); and 6 more; short protein forms E1523fs, E1524fs, E1537fs, E1538fs, E1544fs, E1545fs, E1554fs, E1555fs.
Identifiers: ClinVar variation 4280329 (VCV004280329.1), dbSNP rs2152937799.
Genomic context (GRCh38, chr2:71,656,260, plus strand): 5'-GGGCCTGTCTGACTTTTGTAACACCTTCAAGCTGTACCGGGGCAAGACGCAGGAGGAGAC[AG>A]AAGATCCATCTGTGATTGGTGAATTTAAGGTAAATCCTCGAAGACGTCCCTAACCCAGGT-3'

ClinVar aggregate classification (germline): Pathogenic (3 of 4 stars; one submission).

Conditions:
Autosomal recessive limb-girdle muscular dystrophy. Identifiers: Orphanet 102015, MedGen C2931907, MONDO:0015152.

Submission:

ClinGen Limb Girdle Muscular Dystrophy Variant Curation Expert Panel, ClinGen
Classification: Pathogenic for Autosomal recessive limb-girdle muscular dystrophy. Last evaluated: 2025-08-19. Review status: reviewed by expert panel. Criteria: ClinGen LGMD VCEP ACMG Specifications DYSF V2.0.0. Collection method: curation. Allele origin: germline. Inheritance: Autosomal recessive inheritance.
Comment: The NM_003494.4: c.4609del p.(Glu1537LysfsTer5) variant in DYSF, which is also known as NM_001130987.2: c.4726del p.(Glu1576LysfsTer5), is a frameshift variant predicted to cause a premature stop codon in biologically relevant exon 42/55, leading to nonsense mediated decay in a gene in which loss of function is an established disease mechanism (PVS1). This variant has been reported with a second presumed diagnostic DYSF variant in at least two individuals with progressive limb girdle muscle weakness (PMID: 34559919; LOVD Individuals #00375983, #00376095) (PP4). It is also absent from gnomAD v4.1.0 (PM2_Supporting). In summary, this variant meets the criteria to be classified as Pathogenic for autosomal recessive limb-girdle muscular dystrophy based on the ACMG/AMP criteria applied, as specified by the ClinGen LGMD VCEP (LGMD VCEP specifications version 2.0.0; 08/19/2025): PVS1, PP4, PM2_Supporting.